The following is an entry in ClinVar:

ClinVar aggregate classification (germline): Uncertain significance (1 of 4 stars; one submission).

gnomAD v4.1: 7 of 1,614,000 alleles (0.00043%); highest among the groups gnomAD compares: East Asian, 0.0067%; no homozygotes.

Submission:

Labcorp Genetics (formerly Invitae), Labcorp
Classification: Uncertain significance. Last evaluated: 2025-05-27. Review status: criteria provided, single submitter. Criteria: Invitae Variant Classification Sherloc (09022015). Collection method: clinical testing. Allele origin: germline.
Comment: This sequence change replaces alanine, which is neutral and non-polar, with threonine, which is neutral and polar, at codon 911 of the MICAL1 protein (p.Ala911Thr). This variant is present in population databases (no rsID available, gnomAD 0.006%). This variant has not been reported in the literature in individuals affected with MICAL1-related conditions. ClinVar contains an entry for this variant (Variation ID: 3613714). An algorithm developed to predict the effect of missense changes on protein structure and function outputs the following: PolyPhen-2: "Benign". The threonine amino acid residue is found in multiple mammalian species, which suggests that this missense change does not adversely affect protein function. In summary, the available evidence is currently insufficient to determine the role of this variant in disease. Therefore, it has been classified as a Variant of Uncertain Significance.

NM_022765.4(MICAL1):c.2674G>A (p.Ala892Thr)

Gene: MICAL1 (microtubule associated monooxygenase, calponin and LIM domain containing 1; minus strand). Cytogenetic location: 6q21.
Variant type: single nucleotide variant.
Coding change: c.2674G>A on transcript NM_022765.4 (MANE Select); coding-DNA position 2674, G replaced by A.
Protein change: p.Ala892Thr; replaces alanine 892 with threonine.
Molecular consequence: missense variant.
Genome position (GRCh38, 1-based): chr6:109,445,529, C>T on the plus strand (G>A on the coding strand, the complement: MICAL1 is on the minus strand). VCF-style: chr6-109445529-C-T. GRCh37 (hg19) VCF-style: chr6-109766732-C-T.
Other names: c.2416G>A, p.Ala806Thr (NM_001159291.2); c.2731G>A, p.Ala911Thr (NM_001286613.2); short protein forms A806T, A892T, A911T.
Identifiers: ClinVar variation 3613714 (VCV003613714.2).